The following is an entry in ClinVar:

ClinVar aggregate classification (germline): Uncertain significance (1 of 4 stars; one submission).

Conditions:
Cardiovascular phenotype. Identifiers: MedGen CN230736.

Allele frequency attached by ClinVar (database versions not stated): gnomAD exomes below 0.00001; gnomAD 0.00001; TOPMed 0.00002.
gnomAD v4.1: 2 of 1,537,076 alleles (0.00013%); highest among the groups gnomAD compares: African/African-American, 0.0027%; no homozygotes.

Submission:

Ambry Genetics
Classification: Uncertain significance for Cardiovascular phenotype. Last evaluated: 2021-07-15. Review status: criteria provided, single submitter. Criteria: Ambry Variant Classification Scheme 2023. Collection method: clinical testing. Allele origin: germline.
Comment: The p.K46Q variant (also known as c.136A>C), located in coding exon 1 of the ZNF469 gene, results from an A to C substitution at nucleotide position 136. The lysine at codon 46 is replaced by glutamine, an amino acid with similar properties. This amino acid position is conserved. In addition, this alteration is predicted to be tolerated by in silico analysis. Since supporting evidence is limited at this time, the clinical significance of this alteration remains unclear.

NM_001367624.2(ZNF469):c.136A>C (p.Lys46Gln)

Gene: ZNF469 (zinc finger protein 469; plus strand). Cytogenetic location: 16q24.2.
Variant type: single nucleotide variant.
Coding change: c.136A>C on transcript NM_001367624.2 (MANE Select); coding-DNA position 136, A replaced by C.
Protein change: p.Lys46Gln; replaces lysine 46 with glutamine.
Molecular consequence: missense variant.
Genome position (GRCh38, 1-based): chr16:88,427,606, A>C. VCF-style: chr16-88427606-A-C. GRCh37 (hg19) VCF-style: chr16-88494014-A-C.
Other names: NM_001127464.1:c.136A>C; short protein forms K46Q.
Identifiers: ClinVar variation 1771000 (VCV001771000.2), dbSNP rs1432023172, ClinGen allele CA397058210.
Genomic context (GRCh38, chr16:88,427,606, plus strand): 5'-AGCCCGGGGCACCCCTCCCAGCCGCCACTGGAGGACAACACCCCAGCTACCAGGACCACC[A>C]AGGGTGCCAGGGAGGCTGGCGGCCAGGCCCAGGCCATGGAGCTCCCCGAGGCCCAGCCAA-3'
Protein context (NP_001354553.1, residues 36-56): EDNTPATRTT[Lys46Gln]GAREAGGQAQ